The following is an entry in ClinVar:

ClinVar aggregate classification (germline): Pathogenic. Review status: reviewed by expert panel (3 of 4 stars). 7 submissions from 7 submitters: Pathogenic (1). 6 of the submissions do not count toward it. Last evaluated 2026-07-20.

Conditions:
CEP290-related disorder. Also called: CEP290-related condition; CEP290-related disorders. Identifiers: MedGen CN239314.
Joubert syndrome 1 (JBTS1). Also called: Cerebellooculorenal syndrome 1; CEREBELLOPARENCHYMAL DISORDER IV. Identifiers: MedGen C4551568, MONDO:0008944, OMIM 213300.
Bardet-Biedl syndrome 14 (BBS14). Identifiers: Orphanet 110, MedGen C2673874, MONDO:0014442, OMIM 615991.
CEP290-related ciliopathy. Also called: CEP290 ciliopathy. Identifiers: MedGen CN305601, MONDO:0100451.
Joubert syndrome. Also called: JOUBERT-BOLTSHAUSER SYNDROME; Familial aplasia of the vermis. Identifiers: Orphanet 475, MedGen C5979921, MONDO:0018772.
Nephronophthisis. Also called: Juvenile Nephronophthisis. Identifiers: Orphanet 655, MedGen C0687120, MONDO:0019005, HP:0000090.
Meckel-Gruber syndrome. Also called: Dysencephalia splachnocystica; DYSENCEPHALIA SPLANCHNOCYSTICA; GRUBER SYNDROME. Identifiers: Orphanet 564, MedGen C0265215, MONDO:0018921.
Leber congenital amaurosis (LCA). Also called: Leber's amaurosis. Identifiers: Orphanet 65, MedGen C0339527, MeSH D057130, MONDO:0018998.

Allele frequency attached by ClinVar (database versions not stated): TOPMed 0.00002.
gnomAD v4.1: 3 of 1,519,698 alleles (0.0002%); highest among the groups gnomAD compares: Admixed American, 0.0038%; no homozygotes.

Submissions (7):

ClinGen Leber Congenital Amaurosis/early Onset Retinal Dystrophy Variant Curation Expert Panel, ClinGen
Classification: Pathogenic for CEP290-related ciliopathy. Last evaluated: 2026-07-20. Review status: reviewed by expert panel. Criteria: ClinGen LCAeoRD ACMG Specifications CEP290 V1.0.0. Collection method: curation. Allele origin: germline. Inheritance: Autosomal recessive inheritance.
Comment: NM_025114.4(CEP290):c.6271-8T>G is a non-coding variant in intron 45. The splicing impact predictor SpliceAI gives delta scores of 1.00 for splice acceptor gain and 0.85 for splice acceptor loss, which are above the ClinGen LCA/eoRD VCEP recommended threshold of ≥0.2 and predict a damaging impact on splicing. Analysis of transcripts from an affected patient confirms that the variant results in abnormal splicing and addition of 7 nucleotides to the beginning of exon 46, which is predicted to shift the frame and trigger nonsense mediated decay (PMID: 27434533). These computational and experimental findings have not been used to meet the PP3 or PS3_Supporting codes, but rather combined as evidence that the variant results in a null allele (PVS1_RNA). This variant is present in gnomAD v.4.1.0 at a total allele frequency of 0.000001974, with 3 alleles / 1,519,698 total alleles, which is lower than the ClinGen LCA/eoRD VCEP PM2_Supporting threshold of <0.0006 (PM2_Supporting). At least one proband harboring this variant exhibits a phenotype including diagnosis of severe retinal dystrophy (0.5 pts) with onset before age 1 year (0.5 pts), strabismus, nystagmus (0.5 pts), relatively preserved central vision of 20/30 at age 19 years, constriction of peripheral visual field (0.5 pts), non-recordable electroretinogram responses from both rods and cones (0.5 pts), optic disc pallor (0.5 pts), severely attenuated retinal vessels (0.5 pts) with no pigmentation (0.5 pts), and relative preservation of the para-arterial RPE structure and photoreceptor and inner laminar architecture by FAF and OCT (1 pt), with genotyping by next-generation sequencing of 300 genes (2 pts), which together are specific for CEP290-related ciliopathy (total 7 points, PMID: 29186038, PP4). The variant has been reported to segregate with childhood-onset severe retinal dystrophy through the proband plus 1 similarly affected relative, with the variant present in the compound heterozygous state (PMID: 29186038, PP1). In summary, this variant meets the criteria to be classified as Pathogenic for CEP290-related ciliopathy based on the ACMG/AMP criteria applied, as specified by the ClinGen LCA/eoRD VCEP: PVS1_RNA, PM2_Supporting, PP4, and PP1. (LCA/eoRD VCEP Specifications for CEP290 Version 1.0.0)

Natera, Inc.
Classification: Pathogenic for Leber congenital amaurosis. Last evaluated: 2026-01-22. Review status: criteria provided, single submitter. Criteria: Natera Variant Classification Schema (03/2026). Collection method: clinical testing. Allele origin: germline. Not counted in ClinVar's aggregate classification.
Comment: The c.6271-8T>G variant in CEP290 is an intronic variant located outside the canonical splice sites. This variant is rare in the general population with a frequency below the threshold expected for the associated phenotype(s). This variant has been observed in one or more individuals affected with the associated recessive disease, as either homozygous or compound heterozygous with a second variant (PMID: 32865313). Given the available evidence, this variant is classified as Pathogenic.

Labcorp Genetics (formerly Invitae), Labcorp
Classification: Pathogenic for Joubert syndrome; Meckel-Gruber syndrome; Nephronophthisis. Last evaluated: 2025-07-31. Review status: criteria provided, single submitter. Criteria: Invitae Variant Classification Sherloc (09022015). Collection method: clinical testing. Allele origin: germline. Not counted in ClinVar's aggregate classification.
Comment: This sequence change falls in intron 45 of the CEP290 gene. It does not directly change the encoded amino acid sequence of the CEP290 protein. This variant is present in population databases (no rsID available, gnomAD 0.008%). This variant has been observed in individual(s) with clinical features of Joubert syndrome and/or Leber congenital amaurosis (PMID: 17409309, 29186038). In at least one individual the data is consistent with being in trans (on the opposite chromosome) from a pathogenic variant. It has also been observed to segregate with disease in related individuals. ClinVar contains an entry for this variant (Variation ID: 802875). Algorithms developed to predict the effect of sequence changes on RNA splicing suggest that this variant may disrupt the consensus splice site. For these reasons, this variant has been classified as Pathogenic.

Baylor Genetics
Classification: Pathogenic for Bardet-Biedl syndrome 14. Last evaluated: 2023-10-16. Review status: criteria provided, single submitter. Criteria: ACMG Guidelines, 2015. Collection method: clinical testing. Allele origin: unknown. Not counted in ClinVar's aggregate classification.

Blueprint Genetics
Classification: Pathogenic for CEP290-related disorders. Last evaluated: 2020-09-16. Review status: criteria provided, single submitter. Criteria: ACMG Guidelines, 2015. Collection method: clinical testing. Allele origin: germline. Affected: yes. Observed: 2 variant alleles. Not counted in ClinVar's aggregate classification.

Laboratorio de Genetica e Diagnostico Molecular, Hospital Israelita Albert Einstein
Classification: Likely pathogenic. Last evaluated: 2020-08-25. Review status: criteria provided, single submitter. Criteria: ACMG Guidelines, 2015. Collection method: clinical testing. Allele origin: germline. Affected: yes. Not counted in ClinVar's aggregate classification.
Comment: ACMG classification criteria: PS4, PM2, PM3, PP3

Mendelics
Classification: Pathogenic for Joubert syndrome 1. Last evaluated: 2019-05-28. Review status: criteria provided, single submitter. Criteria: Mendelics Assertion Criteria 2017. Collection method: clinical testing. Allele origin: unknown. Not counted in ClinVar's aggregate classification.

Literature cited by the submitters: PubMed 32865313 (cited by Natera, Inc.); PubMed 17409309 (cited by Labcorp Genetics (formerly Invitae), Labcorp); PubMed 29186038 (cited by Labcorp Genetics (formerly Invitae), Labcorp).

NM_025114.4(CEP290):c.6271-8T>G

Genes: CEP290 (centrosomal protein 290; minus strand), LOC129390514 (MPRA-validated peak1864 silencer; plus strand). Cytogenetic location: 12q21.32.
Variant type: single nucleotide variant.
Coding change: c.6271-8T>G on transcript NM_025114.4 (MANE Select); 8 bases into the intron before coding-DNA position 6271, T replaced by G.
Molecular consequence: intron variant.
Genome position (GRCh38, 1-based): chr12:88,062,786, A>C on the plus strand (T>G on the coding strand, the complement: CEP290 is on the minus strand). VCF-style: chr12-88062786-A-C. GRCh37 (hg19) VCF-style: chr12-88456563-A-C.
Other names: c.6271-8T>G (NM_025114.3).
Identifiers: ClinVar variation 802875 (VCV000802875.13), dbSNP rs1039146791, ClinGen allele CA241147940.